The following is an entry in ClinVar:

ClinVar aggregate classification (germline): Uncertain significance (1 of 4 stars; one submission).

Conditions:
FG syndrome (FGS). Identifiers: MedGen C0220769, MONDO:0002010.
X-linked intellectual disability with marfanoid habitus. Also called: Lujan Syndrome; INTELLECTUAL DEVELOPMENTAL DISORDER, X-LINKED, SYNDROMIC, LUJAN-FRYNS TYPE; Lujan Syndrome (LS); X-linked mental retardation with marfanoid habitus syndrome. Identifiers: Orphanet 776, MedGen C0796022, MONDO:0010655, OMIM 309520.
FG syndrome 1 (OKS). Also called: OPITZ-KAVEGGIA SYNDROME; KELLER SYNDROME; MENTAL RETARDATION, LARGE HEAD, IMPERFORATE ANUS, CONGENITAL HYPOTONIA, AND PARTIAL AGENESIS OF CORPUS CALLOSUM; FG Syndrome Type 1 (FGS1). Identifiers: Orphanet 93932, MedGen C5399762, MONDO:0010590, OMIM 305450.
Blepharophimosis - intellectual disability syndrome, MKB type. Also called: BLEPHAROPHIMOSIS-MENTAL RETARDATION SYNDROME, MAAT-KIEVIT-BRUNNER TYPE; X-Linked Ohdo Syndrome (XLOS); Ohdo syndrome, X-linked. Identifiers: Orphanet 293707, MedGen C3698541, MONDO:0010477, OMIM 300895.

Allele frequency attached by ClinVar (database versions not stated): gnomAD exomes 0.00001.
gnomAD v4.1: 5 of 1,211,698 alleles (0.00041%); highest among the groups gnomAD compares: Non-Finnish European, 0.00056%; no homozygotes.

Submission:

Labcorp Genetics (formerly Invitae), Labcorp
Classification: Uncertain significance for FG syndrome. Last evaluated: 2024-11-06. Review status: criteria provided, single submitter. Criteria: Invitae Variant Classification Sherloc (09022015). Collection method: clinical testing. Allele origin: germline.
Comment: This sequence change replaces threonine, which is neutral and polar, with isoleucine, which is neutral and non-polar, at codon 459 of the MED12 protein (p.Thr459Ile). This variant is not present in population databases (gnomAD no frequency). This variant has not been reported in the literature in individuals affected with MED12-related conditions. ClinVar contains an entry for this variant (Variation ID: 857059). Invitae Evidence Modeling of protein sequence and biophysical properties (such as structural, functional, and spatial information, amino acid conservation, physicochemical variation, residue mobility, and thermodynamic stability) indicates that this missense variant is not expected to disrupt MED12 protein function with a negative predictive value of 95%. In summary, the available evidence is currently insufficient to determine the role of this variant in disease. Therefore, it has been classified as a Variant of Uncertain Significance.

NM_005120.3(MED12):c.1376C>T (p.Thr459Ile)

Genes: MED12 (mediator complex subunit 12; plus strand), LOC126863275 (BRD4-independent group 4 enhancer GRCh37_chrX:70342400-70343599; plus strand). Cytogenetic location: Xq13.1.
Variant type: single nucleotide variant.
Coding change: c.1376C>T on transcript NM_005120.3 (MANE Select); coding-DNA position 1376, C replaced by T.
Protein change: p.Thr459Ile; replaces threonine 459 with isoleucine.
Molecular consequence: missense variant.
Genome position (GRCh38, 1-based): chrX:71,122,765, C>T. VCF-style: chrX-71122765-C-T. GRCh37 (hg19) VCF-style: chrX-70342615-C-T.
Other names: short protein forms T459I.
Identifiers: ClinVar variation 857059 (VCV000857059.13), dbSNP rs2092292878, ClinGen allele CA413506408.